The following is an entry in ClinVar:

ClinVar aggregate classification (germline): Uncertain significance. Review status: criteria provided, multiple submitters, no conflicts (2 of 4 stars). 2 submissions from 2 submitters: Uncertain significance (2). Last evaluated 2025-08-25.

Conditions:
Psoriasis 2. Identifiers: MedGen C1864497, MONDO:0011269, OMIM 602723.
Pityriasis rubra pilaris (PRP). Also called: Pityriasis rubra pilaris--familial type. Identifiers: Orphanet 2897, MedGen C0032027, MONDO:0100017, OMIM 173200, MONDO:0008251.
Inborn genetic diseases. Identifiers: MedGen C0950123, MeSH D030342.

Submissions (2):

Labcorp Genetics (formerly Invitae), Labcorp
Classification: Uncertain significance for Pityriasis rubra pilaris; Psoriasis 2. Last evaluated: 2025-08-25. Review status: criteria provided, single submitter. Criteria: Invitae Variant Classification Sherloc (09022015). Collection method: clinical testing. Allele origin: germline.
Comment: This sequence change replaces proline, which is neutral and non-polar, with serine, which is neutral and polar, at codon 108 of the CARD14 protein (p.Pro108Ser). This variant is not present in population databases (gnomAD no frequency). This variant has not been reported in the literature in individuals affected with CARD14-related conditions. ClinVar contains an entry for this variant (Variation ID: 2951086). An algorithm developed to predict the effect of missense changes on protein structure and function outputs the following: PolyPhen-2: "Benign". The serine amino acid residue is found in multiple mammalian species, which suggests that this missense change does not adversely affect protein function. In summary, the available evidence is currently insufficient to determine the role of this variant in disease. Therefore, it has been classified as a Variant of Uncertain Significance.

Ambry Genetics
Classification: Uncertain significance for Inborn genetic diseases. Last evaluated: 2024-09-25. Review status: criteria provided, single submitter. Criteria: Ambry Variant Classification Scheme 2023. Collection method: clinical testing. Allele origin: germline.

NM_001366385.1(CARD14):c.322C>T (p.Pro108Ser)

Gene: CARD14 (caspase recruitment domain family member 14; plus strand). Cytogenetic location: 17q25.3.
Variant type: single nucleotide variant.
Coding change: c.322C>T on transcript NM_001366385.1 (MANE Select); coding-DNA position 322, C replaced by T.
Protein change: p.Pro108Ser; replaces proline 108 with serine.
Molecular consequence: missense variant. On other transcripts: non-coding transcript variant (1).
Genome position (GRCh38, 1-based): chr17:80,182,763, C>T. VCF-style: chr17-80182763-C-T. GRCh37 (hg19) VCF-style: chr17-78156562-C-T.
Other names: c.322C>T, p.Pro108Ser (NM_001257970.1, NM_024110.4); c.322C>T (NM_024110.3); short protein forms P108S.
Identifiers: ClinVar variation 2951086 (VCV002951086.4), dbSNP rs2510569146, ClinGen allele CA401333210.